The following is an entry in ClinVar:

NM_014000.3(VCL):c.1494G>C (p.Glu498Asp)

Gene: VCL (vinculin; plus strand). Cytogenetic location: 10q22.2.
Variant type: single nucleotide variant.
Coding change: c.1494G>C on transcript NM_014000.3 (MANE Select); coding-DNA position 1494, G replaced by C.
Protein change: p.Glu498Asp; replaces glutamic acid 498 with aspartic acid.
Molecular consequence: missense variant.
Genome position (GRCh38, 1-based): chr10:74,094,412, G>C. VCF-style: chr10-74094412-G-C. GRCh37 (hg19) VCF-style: chr10-75854170-G-C.
Other names: c.1494G>C, p.Glu498Asp (NM_003373.4); c.1494G>C (NM_014000.2); short protein forms E498D.
Identifiers: ClinVar variation 1508524 (VCV001508524.8), dbSNP rs1325002119, ClinGen allele CA377273933.
Genomic context (GRCh38, chr10:74,094,412, plus strand): 5'-CCGGGCTGTGGCCAACAGCAGACCGGCCAAAGCAGCTGTACACCTTGAGGGCAAGATTGA[G>C]CAAGCACAGCGGTGGATTGATAATCCCACAGTGGATGACCGTGGAGTCGGTAAGGGCAGC-3'
Protein context (NP_054706.1, residues 488-508): KAAVHLEGKI[Glu498Asp]QAQRWIDNPT

ClinVar aggregate classification (germline): Uncertain significance. Review status: criteria provided, multiple submitters, no conflicts (2 of 4 stars). 3 submissions from 3 submitters: Uncertain significance (3). Last evaluated 2025-09-11.

Conditions:
Cardiovascular phenotype. Identifiers: MedGen CN230736.
Dilated cardiomyopathy 1W (CMD1W). Identifiers: Orphanet 154, MedGen C1969639, MONDO:0012667, OMIM 611407.

Submissions (3):

Ambry Genetics
Classification: Uncertain significance for Cardiovascular phenotype. Last evaluated: 2025-09-11. Review status: criteria provided, single submitter. Criteria: Ambry Variant Classification Scheme 2023. Collection method: clinical testing. Allele origin: germline.

Labcorp Genetics (formerly Invitae), Labcorp
Classification: Uncertain significance for Dilated cardiomyopathy 1W. Last evaluated: 2023-12-07. Review status: criteria provided, single submitter. Criteria: Invitae Variant Classification Sherloc (09022015). Collection method: clinical testing. Allele origin: germline.
Comment: This sequence change replaces glutamic acid, which is acidic and polar, with aspartic acid, which is acidic and polar, at codon 498 of the VCL protein (p.Glu498Asp). This variant is not present in population databases (gnomAD no frequency). This variant has not been reported in the literature in individuals affected with VCL-related conditions. ClinVar contains an entry for this variant (Variation ID: 1508524). An algorithm developed to predict the effect of missense changes on protein structure and function (PolyPhen-2) suggests that this variant is likely to be tolerated. In summary, the available evidence is currently insufficient to determine the role of this variant in disease. Therefore, it has been classified as a Variant of Uncertain Significance.

Blueprint Genetics
Classification: Uncertain significance. Last evaluated: 2017-11-23. Review status: criteria provided, single submitter. Criteria: ACMG Guidelines, 2015. Collection method: clinical testing. Allele origin: germline.